The following is an entry in ClinVar:

NM_001999.4(FBN2):c.4810T>C (p.Ser1604Pro)

Gene: FBN2 (fibrillin 2; minus strand). Cytogenetic location: 5q23.3.
Variant type: single nucleotide variant.
Coding change: c.4810T>C on transcript NM_001999.4 (MANE Select); coding-DNA position 4810, T replaced by C.
Protein change: p.Ser1604Pro; replaces serine 1604 with proline.
Molecular consequence: missense variant.
Genome position (GRCh38, 1-based): chr5:128,312,703, A>G on the plus strand (T>C on the coding strand, the complement: FBN2 is on the minus strand). VCF-style: chr5-128312703-A-G. GRCh37 (hg19) VCF-style: chr5-127648395-A-G.
Other names: short protein forms S1604P.
Identifiers: ClinVar variation 1313980 (VCV001313980.2), dbSNP rs2126847651, ClinGen allele CA360746675.

ClinVar aggregate classification (germline): Uncertain significance (1 of 4 stars; one submission).

Submission:

GeneDx
Classification: Uncertain significance. Last evaluated: 2021-01-08. Review status: criteria provided, single submitter. Criteria: GeneDx Variant Classification Process June 2021. Collection method: clinical testing. Allele origin: germline. Affected: yes.
Comment: Has not been previously published as pathogenic or benign to our knowledge; Not observed in large population cohorts (Lek et al., 2016); In silico analysis supports that this missense variant does not alter protein structure/function; Does not affect a cysteine residue within a calcium-binding EGF-like domain of the FBN2 gene; cysteine substitutions in the calcium-binding EGF-like domains represent the majority of pathogenic missense changes associated with FBN2-related disorders (Frederic et al., 2009).